The following is an entry in ClinVar:

ClinVar aggregate classification (germline): Likely pathogenic. Review status: criteria provided, multiple submitters, no conflicts (2 of 4 stars). 2 submissions from 2 submitters: Likely pathogenic (2). Last evaluated 2024-10-28.

Conditions:
Hereditary cancer-predisposing syndrome. Also called: Neoplastic Syndromes, Hereditary; Tumor predisposition; Hereditary Cancer Syndrome; Hereditary neoplastic syndrome. Identifiers: Orphanet 140162, MedGen C0027672, MeSH D009386, MONDO:0015356.
Fanconi anemia complementation group C (FANCC). Also called: FANCONI PANCYTOPENIA, TYPE 3; FACC; FANCC-Related Fanconi Anemia; Fanconi anemia, group C. Identifiers: Orphanet 84, MedGen C3468041, MONDO:0009213, OMIM 227645.

Allele frequency attached by ClinVar (database versions not stated): gnomAD exomes below 0.00001; TOPMed below 0.00001.
gnomAD v4.1: 1 of 1,612,292 alleles (0.000062%); highest among the groups gnomAD compares: Non-Finnish European, 0.000085%; no homozygotes.

Submissions (2):

Ambry Genetics
Classification: Likely pathogenic for Hereditary cancer-predisposing syndrome. Last evaluated: 2024-10-28. Review status: criteria provided, single submitter. Criteria: Ambry Variant Classification Scheme 2023. Collection method: clinical testing. Allele origin: germline.
Comment: The c.457-2A>G intronic variant results from an A to G substitution two nucleotides upstream from coding exon 5 in the FANCC gene. This variant is considered to be rare based on population cohorts in the Genome Aggregation Database (gnomAD). This nucleotide position is highly conserved in available vertebrate species. In silico splice site analysis predicts that this alteration will weaken the native splice acceptor site. Alterations that disrupt the canonical splice site are expected to cause aberrant splicing, resulting in an abnormal protein or a transcript that is subject to nonsense-mediated mRNA decay. As such, this alteration is classified as likely pathogenic.

Baylor Genetics
Classification: Likely pathogenic for Fanconi anemia complementation group C. Last evaluated: 2022-12-29. Review status: criteria provided, single submitter. Criteria: ACMG Guidelines, 2015. Collection method: clinical testing. Allele origin: unknown.

NM_000136.3(FANCC):c.457-2A>G

Gene: FANCC (FA complementation group C; minus strand). Cytogenetic location: 9q22.32.
Variant type: single nucleotide variant.
Coding change: c.457-2A>G on transcript NM_000136.3 (MANE Select); the canonical splice acceptor site of the intron before coding-DNA position 457, A replaced by G.
Molecular consequence: splice acceptor variant.
Genome position (GRCh38, 1-based): chr9:95,171,145, T>C on the plus strand (A>G on the coding strand, the complement: FANCC is on the minus strand). VCF-style: chr9-95171145-T-C. GRCh37 (hg19) VCF-style: chr9-97933427-T-C.
Other names: c.457-2A>G (NM_001243743.2, NM_001243744.2, NM_000136.2).
Identifiers: ClinVar variation 2675472 (VCV002675472.2), dbSNP rs1825653450, ClinGen allele CA374338683.